The following is an entry in ClinVar:

ClinVar aggregate classification (germline): Uncertain significance. Review status: criteria provided, multiple submitters, no conflicts (2 of 4 stars). 2 submissions from 2 submitters: Uncertain significance (2). Last evaluated 2022-11-01.

Allele frequency attached by ClinVar (database versions not stated): gnomAD exomes below 0.00001; gnomAD 0.00001; TOPMed 0.00001.
gnomAD v4.1: 6 of 1,610,958 alleles (0.00037%); highest among the groups gnomAD compares: African/African-American, 0.004%; no homozygotes.

Submissions (2):

Labcorp Genetics (formerly Invitae), Labcorp
Classification: Uncertain significance. Last evaluated: 2022-11-01. Review status: criteria provided, single submitter. Criteria: Invitae Variant Classification Sherloc (09022015). Collection method: clinical testing. Allele origin: germline.
Comment: This sequence change replaces isoleucine, which is neutral and non-polar, with valine, which is neutral and non-polar, at codon 4353 of the ADGRV1 protein (p.Ile4353Val). This variant is present in population databases (no rsID available, gnomAD 0.003%). This variant has not been reported in the literature in individuals affected with ADGRV1-related conditions. ClinVar contains an entry for this variant (Variation ID: 1462929). Advanced modeling of protein sequence and biophysical properties (such as structural, functional, and spatial information, amino acid conservation, physicochemical variation, residue mobility, and thermodynamic stability) performed at Invitae indicates that this missense variant is not expected to disrupt ADGRV1 protein function. In summary, the available evidence is currently insufficient to determine the role of this variant in disease. Therefore, it has been classified as a Variant of Uncertain Significance.

Blueprint Genetics
Classification: Uncertain significance. Last evaluated: 2019-01-22. Review status: criteria provided, single submitter. Criteria: ACMG Guidelines, 2015. Collection method: clinical testing. Allele origin: germline.

NM_032119.4(ADGRV1):c.13057A>G (p.Ile4353Val)

Gene: ADGRV1 (adhesion G protein-coupled receptor V1; plus strand). Cytogenetic location: 5q14.3.
Variant type: single nucleotide variant.
Coding change: c.13057A>G on transcript NM_032119.4 (MANE Select); coding-DNA position 13057, A replaced by G.
Protein change: p.Ile4353Val; replaces isoleucine 4353 with valine.
Molecular consequence: missense variant. On other transcripts: non-coding transcript variant (1).
Genome position (GRCh38, 1-based): chr5:90,779,072, A>G. VCF-style: chr5-90779072-A-G. GRCh37 (hg19) VCF-style: chr5-90074889-A-G.
Other names: short protein forms I4353V.
Identifiers: ClinVar variation 1462929 (VCV001462929.6), dbSNP rs1349482641, ClinGen allele CA360390821.